The following is an entry in ClinVar:

NM_001042492.3(NF1):c.633A>G (p.Ala211=)

Gene: NF1 (neurofibromin 1; plus strand). Cytogenetic location: 17q11.2.
Variant type: single nucleotide variant.
Coding change: c.633A>G on transcript NM_001042492.3 (MANE Select); coding-DNA position 633, A replaced by G.
Protein change: p.Ala211=; no amino-acid change (alanine 211 retained).
Molecular consequence: synonymous variant.
Genome position (GRCh38, 1-based): chr17:31,181,468, A>G. VCF-style: chr17-31181468-A-G. GRCh37 (hg19) VCF-style: chr17-29508486-A-G.
Other names: c.633A>G, p.Ala211= (NM_000267.4, NM_001128147.3).
Identifiers: ClinVar variation 234022 (VCV000234022.17), dbSNP rs876660800, ClinGen allele CA10580197.

ClinVar aggregate classification (germline): Benign/Likely benign. Review status: criteria provided, multiple submitters, no conflicts (2 of 4 stars). 6 submissions from 6 submitters: Benign (2); Likely benign (4). Last evaluated 2026-05-14.

Conditions:
Neurofibromatosis, type 1 (NF1). Also called: NEUROFIBROMATOSIS, TYPE I, SOMATIC; Neurofibromatosis, type I; VON RECKLINGHAUSEN DISEASE; Peripheral type neurofibromatosis. Identifiers: Orphanet 636, MedGen C0027831, MONDO:0018975, OMIM 162200. Disease mechanism: loss of function.
Hereditary cancer-predisposing syndrome. Also called: Hereditary neoplastic syndrome; Neoplastic Syndromes, Hereditary; Hereditary Cancer Syndrome; Tumor predisposition. Identifiers: Orphanet 140162, MedGen C0027672, MeSH D009386, MONDO:0015356.

Allele frequency attached by ClinVar (database versions not stated): gnomAD exomes below 0.00001.
gnomAD v4.1: 7 of 1,613,594 alleles (0.00043%); highest among the groups gnomAD compares: African/African-American, 0.004%; no homozygotes.

Submissions (6):

Myriad Genetics, Inc.
Classification: Benign for Neurofibromatosis, type 1. Last evaluated: 2026-05-14. Review status: criteria provided, single submitter. Criteria: Myriad Autosomal Dominant, Autosomal Recessive and X-Linked Classification Criteria (2023). Collection method: clinical testing. Allele origin: unknown.
Comment: This variant is considered benign. This variant is a silent/synonymous amino acid change and it is not expected to impact splicing.

Labcorp Genetics (formerly Invitae), Labcorp
Classification: Likely benign for Neurofibromatosis, type 1. Last evaluated: 2026-01-18. Review status: criteria provided, single submitter. Criteria: Invitae Variant Classification Sherloc (09022015). Collection method: clinical testing. Allele origin: germline.

KCCC/NGS Laboratory, Kuwait Cancer Control Center
Classification: Benign for Neurofibromatosis, type 1. Last evaluated: 2025-02-01. Review status: criteria provided, single submitter. Criteria: ACMG Guidelines, 2015. Collection method: clinical testing. Allele origin: germline. Affected: no.

Genome-Nilou Lab
Classification: Likely benign for Neurofibromatosis, type 1. Last evaluated: 2022-03-15. Review status: criteria provided, single submitter. Criteria: ACMG Guidelines, 2015. Collection method: clinical testing. Allele origin: germline. Affected: no.

GeneDx
Classification: Likely benign. Last evaluated: 2019-06-14. Review status: criteria provided, single submitter. Criteria: GeneDx Variant Classification Process June 2021. Collection method: clinical testing. Allele origin: germline. Affected: yes.
Comment: See Variant Classification Assertion Criteria.

Ambry Genetics
Classification: Likely benign for Hereditary cancer-predisposing syndrome. Last evaluated: 2015-09-22. Review status: criteria provided, single submitter. Criteria: Ambry Autosomal Dominant and X-Linked criteria (10/2015). Collection method: clinical testing. Allele origin: germline. Observed: 1 variant allele.